The following is an entry in ClinVar:

ClinVar aggregate classification (germline): Conflicting classifications of pathogenicity. Review status: criteria provided, conflicting classifications (1 of 4 stars). 2 submissions from 2 submitters: Uncertain significance (1); Likely benign (1). Last evaluated 2018-01-13.

Conditions:
Glutaric aciduria, type 1. Also called: Glutaric Acidemia Type 1; GA I; Glutaryl-CoA dehydrogenase deficiency; Glutaric acidemia type I; Glutaricacidemia Type 1; Glutaricaciduria, type I. Identifiers: Orphanet 25, MedGen C0268595, MONDO:0009281, OMIM 231670.

Allele frequency attached by ClinVar (database versions not stated): gnomAD exomes 0.00011; TOPMed 0.00097; gnomAD 0.00105; 1000 Genomes Project 0.00160; 1000 Genomes Project 30x 0.00234.
gnomAD v4.1: 237 of 867,294 alleles (0.027%); highest among the groups gnomAD compares: African/African-American, 0.34%; 1 homozygote.

Submissions (4):

Illumina Laboratory Services, Illumina
Classification: Uncertain significance for Glutaric aciduria, type 1. Last evaluated: 2018-01-13. Review status: criteria provided, single submitter. Criteria: ICSL Variant Classification Criteria 13 December 2019. Collection method: clinical testing. Allele origin: germline.

GeneDx
Classification: Likely benign. Last evaluated: 2017-03-15. Review status: criteria provided, single submitter. Criteria: GeneDx Variant Classification (06012015). Collection method: clinical testing. Allele origin: germline. Affected: yes.
Comment: This variant is considered likely benign or benign based on one or more of the following criteria: it is a conservative change, it occurs at a poorly conserved position in the protein, it is predicted to be benign by multiple in silico algorithms, and/or has population frequency not consistent with disease.

Dr. Peter K. Rogan Lab, Western University
No classification provided (evidence only). Condition: Malignant tumor of urinary bladder. Review status: no classification provided. Collection method: in vitro. Allele origin: not applicable. Functional consequence: retained intron. Not counted in ClinVar's aggregate classification.

Dr. Peter K. Rogan Lab, Western University
No classification provided (evidence only). Condition: Uterine corpus endometrial carcinoma. Review status: no classification provided. Collection method: in vitro. Allele origin: not applicable. Functional consequence: retained intron. Not counted in ClinVar's aggregate classification.

NM_000159.4(GCDH):c.-35G>A

Genes: GCDH (glutaryl-CoA dehydrogenase; plus strand), LOC117125594 (CRISPRi-FlowFISH-validated KLF1 regulatory element; plus strand). Cytogenetic location: 19p13.13.
Variant type: single nucleotide variant.
Coding change: c.-35G>A on transcript NM_000159.4 (MANE Select); 35 bases upstream of the start codon, G replaced by A.
Molecular consequence: 5 prime UTR variant. On other transcripts: non-coding transcript variant (2).
Genome position (GRCh38, 1-based): chr19:12,891,202, G>A. VCF-style: chr19-12891202-G-A. GRCh37 (hg19) VCF-style: chr19-13002016-G-A.
Other names: NC_000019.9:g.13002016G>A; c.-35G>A (NM_013976.5).
Identifiers: ClinVar variation 386516 (VCV000386516.6), dbSNP rs545594924, ClinGen allele CA14711897.